The following is an entry in ClinVar:

NM_000044.6(AR):c.616AGC[4] (p.Ser208_Gly209insSer)

Gene: AR (androgen receptor; plus strand). Cytogenetic location: Xq12.
Variant type: Microsatellite.
Coding change: c.616AGC[4] on transcript NM_000044.6 (MANE Select); four copies in a row of the 3-base unit AGC starting at c.616; the reference has three copies in a row; one copy, 3 bases duplicated; also written c.622_624dup.
Protein change: p.Ser208_Gly209insSer.
Molecular consequence: 5 prime UTR variant (on NM_001011645.3).
Genome position (GRCh38, 1-based): chrX:67,545,768-67,545,770, AGC duplicated; duplicating any 3 consecutive bases within chrX:67,545,760-67,545,770 gives the same sequence; the position shown is the placement nearest the transcript's 3' end. VCF-style (leftmost placement, unchanged base first): chrX-67545759-G-GGCA. GRCh37 (hg19) VCF-style: chrX-66765601-G-GGCA.
Other names: c.622_624dup (NM_000044.6); c.-1168AGC[4] (NM_001011645.3); c.616AGC[4], p.Ser208_Gly209insSer (NM_001348061.1, NM_001348063.1, NM_001348064.1).
Identifiers: ClinVar variation 5018937 (VCV005018937.2).

ClinVar aggregate classification (germline): Uncertain significance (1 of 4 stars; one submission).

Conditions:
Hypospadias 1, X-linked (HYSP1). Identifiers: Orphanet 440, MedGen C2678098, MONDO:0010384, OMIM 300633.
Partial androgen insensitivity syndrome (PAIS). Also called: Pseudohermaphroditism, Incomplete male, type I; Gynecomastia, familial; Reifenstein syndrome, partial; Androgen resistance syndrome, partial; Type I familial incomplete male pseudohermaphroditism; Partial Androgen Insensitivity Syndrome (PAIS). Identifiers: Orphanet 90797, MedGen C0268301, MONDO:0010720, OMIM 312300.
Kennedy disease (SMAX1). Also called: KENNEDY SPINAL AND BULBAR MUSCULAR ATROPHY; Spinal and Bulbar Muscular Atrophy; SPINAL AND BULBAR MUSCULAR ATROPHY, X-LINKED 1. Identifiers: Orphanet 481, MedGen C1839259, MONDO:0010735, OMIM 313200.
Androgen resistance syndrome (AIS). Also called: Androgen insensitivity syndrome due to coactivator deficiency; TESTICULAR FEMINIZATION SYNDROME; DHTR DEFICIENCY; Androgen insensitivity; Androgen insensitivity, complete; ANDROGEN RECEPTOR DEFICIENCY. Identifiers: Orphanet 754, Orphanet 99429, MedGen C0039585, MONDO:0019154, OMIM 300068. Disease mechanism: loss of function.

Submission:

Juno Genomics, Hangzhou Juno Genomics, Inc
Classification: Uncertain significance for Kennedy disease; Androgen resistance syndrome; Partial androgen insensitivity syndrome; Hypospadias 1, X-linked. Review status: criteria provided, single submitter. Criteria: ACMG Guidelines, 2015. Collection method: clinical testing. Allele origin: germline.
Comment: Absent from controls (or at extremely low frequency if recessive) in Genome Aggregation Database.;Protein length changes due to in-frame deletions/insertions in a non-repeat region or stop-loss variants.